The following is an entry in ClinVar:

NM_001127511.3(APC):c.-10G>A

Gene: APC (APC regulator of Wnt signaling pathway; plus strand). Cytogenetic location: 5q22.2.
Variant type: single nucleotide variant.
Coding change: c.-10G>A on transcript NM_001127511.3; 10 bases upstream of the start codon, G replaced by A.
Molecular consequence: 5 prime UTR variant. On other transcripts: non-coding transcript variant (1), intron variant (5).
Genome position (GRCh38, 1-based): chr5:112,707,708, G>A. VCF-style: chr5-112707708-G-A. GRCh37 (hg19) VCF-style: chr5-112043405-G-A.
Other names: c.-193G>A (NM_001354895.2, NM_001407447.1, NM_001407452.1 and 3 more transcripts); c.-10G>A (NM_001354897.2, NM_001354902.2, NM_001407446.1); c.-1228G>A (NM_001407470.1, NM_001407472.1); c.-19+59G>A (NM_001407448.1, NM_001407450.1, NM_001407457.1 and 1 more transcripts); c.-43+59G>A (NM_001407453.1).
Identifiers: ClinVar variation 1052636 (VCV001052636.9), dbSNP rs1184095408, ClinGen allele CA2499217402.

ClinVar aggregate classification (germline): Uncertain significance (1 of 4 stars; one submission).

Conditions:
Familial adenomatous polyposis 1 (FAP1). Also called: FAMILIAL ADENOMATOUS POLYPOSIS 1, ATTENUATED; POLYPOSIS, ADENOMATOUS INTESTINAL. Identifiers: MedGen C2713442, MONDO:0021056, OMIM 175100. Disease mechanism: loss of function.

Submission:

Labcorp Genetics (formerly Invitae), Labcorp
Classification: Uncertain significance for Familial adenomatous polyposis 1. Last evaluated: 2019-04-18. Review status: criteria provided, single submitter. Criteria: Invitae Variant Classification Sherloc (09022015). Collection method: clinical testing. Allele origin: germline.
Comment: This variant occurs in a non-coding region of the APC gene. It does not change the encoded amino acid sequence of the APC protein. The frequency data for this variant in the population databases is considered unreliable, as metrics indicate insufficient coverage at this position in the ExAC database. This variant has not been reported in the literature in individuals with APC-related conditions. Experimental studies and prediction algorithms are not available for this variant, and the functional significance of this non-coding change is currently unknown. In summary, the available evidence is currently insufficient to determine the role of this variant in disease. Therefore, it has been classified as a Variant of Uncertain Significance.